The following is an entry in ClinVar:

NM_003242.6(TGFBR2):c.1519C>T (p.His507Tyr)

Gene: TGFBR2 (transforming growth factor beta receptor 2; plus strand). Cytogenetic location: 3p24.1.
Variant type: single nucleotide variant.
Coding change: c.1519C>T on transcript NM_003242.6 (MANE Select); coding-DNA position 1519, C replaced by T.
Protein change: p.His507Tyr; replaces histidine 507 with tyrosine.
Molecular consequence: missense variant.
Genome position (GRCh38, 1-based): chr3:30,688,506, C>T. VCF-style: chr3-30688506-C-T. GRCh37 (hg19) VCF-style: chr3-30729998-C-T.
Other names: c.1594C>T, p.His532Tyr (NM_001024847.3); c.1702C>T, p.His568Tyr (NM_001407126.1); c.1627C>T, p.His543Tyr (NM_001407127.1); c.1546C>T, p.His516Tyr (NM_001407128.1); c.1522C>T, p.His508Tyr (NM_001407129.1); c.1516C>T, p.His506Tyr (NM_001407130.1); c.1414C>T, p.His472Tyr (NM_001407132.1, NM_001407133.1, NM_001407134.1 and 2 more transcripts); c.1234C>T, p.His412Tyr (NM_001407137.1); and 2 more; short protein forms H507Y, H532Y, H412Y, H508Y, H543Y, H217Y, H506Y, H516Y.
Identifiers: ClinVar variation 1332375 (VCV001332375.8), dbSNP rs747068726, ClinGen allele CA046758.
Genomic context (GRCh38, chr3:30,688,506, plus strand): 5'-ATGAAGGACAACGTGTTGAGAGATCGAGGGCGACCAGAAATTCCCAGCTTCTGGCTCAAC[C>T]ACCAGGTAAGGAGTGAGTGTTTACAAAGGTCAGTAAGATTCAACCAAGTTGCCTCTTAGG-3'
Protein context (NP_003233.4, residues 497-517): RPEIPSFWLN[His507Tyr]QGIQMVCETL

ClinVar aggregate classification (germline): Uncertain significance. Review status: criteria provided, multiple submitters, no conflicts (2 of 4 stars). 3 submissions from 3 submitters: Uncertain significance (3). Last evaluated 2025-11-19.

Conditions:
Familial thoracic aortic aneurysm and aortic dissection (TAAD). Also called: Thoracic aortic aneurysms and dissections. Identifiers: Orphanet 91387, MedGen C4707243, MONDO:0019625.

Allele frequency attached by ClinVar (database versions not stated): ExAC 0.00001; gnomAD exomes 0.00001.
gnomAD v4.1: 3 of 1,614,196 alleles (0.00019%); highest among the groups gnomAD compares: South Asian, 0.0011%; no homozygotes.

Submissions (3):

Labcorp Genetics (formerly Invitae), Labcorp
Classification: Uncertain significance for Familial thoracic aortic aneurysm and aortic dissection. Last evaluated: 2025-11-19. Review status: criteria provided, single submitter. Criteria: Invitae Variant Classification Sherloc (09022015). Collection method: clinical testing. Allele origin: germline.
Comment: This sequence change replaces histidine, which is basic and polar, with tyrosine, which is neutral and polar, at codon 507 of the TGFBR2 protein (p.His507Tyr). This variant is present in population databases (rs747068726, gnomAD 0.003%). This missense change has been observed in individual(s) with clinical features of TGFBR2-related conditions (internal data). ClinVar contains an entry for this variant (Variation ID: 1332375). Invitae Evidence Modeling of protein sequence and biophysical properties (such as structural, functional, and spatial information, amino acid conservation, physicochemical variation, residue mobility, and thermodynamic stability) has been performed for this missense variant. However, the output from this modeling did not meet the statistical confidence thresholds required to predict the impact of this variant on TGFBR2 protein function. In summary, the available evidence is currently insufficient to determine the role of this variant in disease. Therefore, it has been classified as a Variant of Uncertain Significance.

Color Diagnostics, LLC DBA Color Health
Classification: Uncertain significance for Familial thoracic aortic aneurysm and aortic dissection. Last evaluated: 2025-03-24. Review status: criteria provided, single submitter. Criteria: ACMG Guidelines, 2015. Collection method: clinical testing. Allele origin: germline.
Comment: This missense variant replaces histidine with tyrosine at codon 507 of the TGFBR2 protein. Computational prediction suggests that this variant may have a deleterious impact on protein structure and function. To our knowledge, functional studies have not been reported for this variant. This variant has not been reported in individuals affected with TGFBR2-related disorders in the literature. This variant has been identified in 2/250908 chromosomes in the general population by the Genome Aggregation Database (gnomAD). The available evidence is insufficient to determine the role of this variant in disease conclusively. Therefore, this variant is classified as a Variant of Uncertain Significance.

Ambry Genetics
Classification: Uncertain significance for Familial thoracic aortic aneurysm and aortic dissection. Last evaluated: 2024-09-14. Review status: criteria provided, single submitter. Criteria: Ambry Variant Classification Scheme 2023. Collection method: clinical testing. Allele origin: germline.
Comment: The p.H507Y variant (also known as c.1519C>T), located in coding exon 6 of the TGFBR2 gene, results from a C to T substitution at nucleotide position 1519. The histidine at codon 507 is replaced by tyrosine, an amino acid with similar properties. This amino acid position is conserved. In addition, this alteration is predicted to be deleterious by in silico analysis. Based on the available evidence, the clinical significance of this variant remains unclear.